The following is an entry in ClinVar:

ClinVar aggregate classification (germline): Uncertain significance. Review status: criteria provided, multiple submitters, no conflicts (2 of 4 stars). 3 submissions from 3 submitters: Uncertain significance (2). 1 of the submissions does not count toward it. Last evaluated 2024-05-31.

Conditions:
ACTN4-related disorder. Also called: ACTN4-related condition.
Focal segmental glomerulosclerosis 1 (FSGS1). Identifiers: Orphanet 656, MedGen C4551527, MONDO:0011303, OMIM 603278.
Focal segmental glomerulosclerosis (FSGS). Also called: Glomerulosclerosis, focal; Focal sclerosis with hyalinosis. Identifiers: MedGen C0017668, MONDO:0100313, HP:0000097. Disease mechanism: loss of function.

Allele frequency attached by ClinVar (database versions not stated): gnomAD exomes 0.00002.
gnomAD v4.1: 22 of 1,603,632 alleles (0.0014%); highest among the groups gnomAD compares: Non-Finnish European, 0.0018%; no homozygotes.

Submissions (3):

Fulgent Genetics
Classification: Uncertain significance for Focal segmental glomerulosclerosis 1. Last evaluated: 2024-05-31. Review status: criteria provided, single submitter. Criteria: ACMG Guidelines, 2015. Collection method: clinical testing. Allele origin: germline.

Genome Diagnostics Laboratory, The Hospital for Sick Children
Classification: Uncertain significance for Focal segmental glomerulosclerosis. Last evaluated: 2020-03-01. Review status: criteria provided, single submitter. Criteria: ACMG Guidelines, 2015. Collection method: clinical testing. Allele origin: germline.

PreventionGenetics, part of Exact Sciences
Classification: Likely benign for ACTN4-related condition. Last evaluated: 2021-11-01. Review status: no assertion criteria provided. Collection method: clinical testing. Allele origin: germline. Not counted in ClinVar's aggregate classification.
Comment: This variant is classified as likely benign based on ACMG/AMP sequence variant interpretation guidelines (Richards et al. 2015 PMID: 25741868, with internal and published modifications).

NM_004924.6(ACTN4):c.1443-7C>T

Gene: ACTN4 (actinin alpha 4; plus strand). Cytogenetic location: 19q13.2.
Variant type: single nucleotide variant.
Coding change: c.1443-7C>T on transcript NM_004924.6 (MANE Select); 7 bases into the intron before coding-DNA position 1443, C replaced by T.
Molecular consequence: intron variant.
Genome position (GRCh38, 1-based): chr19:38,723,607, C>T. VCF-style: chr19-38723607-C-T. GRCh37 (hg19) VCF-style: chr19-39214247-C-T.
Other names: c.1443-7C>T (NM_001322033.2).
Identifiers: ClinVar variation 1712396 (VCV001712396.5), dbSNP rs765401785, ClinGen allele CA308119435.